The following is an entry in ClinVar:

ClinVar aggregate classification (germline): Uncertain significance. Review status: criteria provided, multiple submitters, no conflicts (2 of 4 stars). 2 submissions from 2 submitters: Uncertain significance (2). Last evaluated 2025-10-23.

Conditions:
Dilated cardiomyopathy 1KK (CMD1KK). Identifiers: Orphanet 154, Orphanet 75249, MedGen C3714995, MONDO:0014100, OMIM 615248.
Cardiovascular phenotype. Identifiers: MedGen CN230736.

Allele frequency attached by ClinVar (database versions not stated): ExAC 0.00002; gnomAD exomes 0.00001 and below 0.00001.
gnomAD v4.1: 7 of 1,614,154 alleles (0.00043%); highest among the groups gnomAD compares: South Asian, 0.0011%; no homozygotes.

Submissions (2):

Ambry Genetics
Classification: Uncertain significance for Cardiovascular phenotype. Last evaluated: 2025-10-23. Review status: criteria provided, single submitter. Criteria: Ambry Variant Classification Scheme 2023. Collection method: clinical testing. Allele origin: germline.
Comment: The p.S340C variant (also known as c.1019C>G), located in coding exon 2 of the MYPN gene, results from a C to G substitution at nucleotide position 1019. The serine at codon 340 is replaced by cysteine, an amino acid with dissimilar properties. This amino acid position is conserved. In addition, the in silico prediction for this alteration is inconclusive. Since supporting evidence is limited at this time, the clinical significance of this alteration remains unclear.

Labcorp Genetics (formerly Invitae), Labcorp
Classification: Uncertain significance for Dilated cardiomyopathy 1KK. Last evaluated: 2023-07-10. Review status: criteria provided, single submitter. Criteria: Invitae Variant Classification Sherloc (09022015). Collection method: clinical testing. Allele origin: germline.
Comment: This sequence change replaces serine, which is neutral and polar, with cysteine, which is neutral and slightly polar, at codon 340 of the MYPN protein (p.Ser340Cys). This variant is present in population databases (rs777080663, gnomAD 0.003%). This variant has not been reported in the literature in individuals affected with MYPN-related conditions. ClinVar contains an entry for this variant (Variation ID: 1359354). In summary, the available evidence is currently insufficient to determine the role of this variant in disease. Therefore, it has been classified as a Variant of Uncertain Significance. An algorithm developed to predict the effect of missense changes on protein structure and function (PolyPhen-2) suggests that this variant is likely to be disruptive.

NM_032578.4(MYPN):c.1019C>G (p.Ser340Cys)

Gene: MYPN (myopalladin; plus strand). Cytogenetic location: 10q21.3.
Variant type: single nucleotide variant.
Coding change: c.1019C>G on transcript NM_032578.4 (MANE Select); coding-DNA position 1019, C replaced by G.
Protein change: p.Ser340Cys; replaces serine 340 with cysteine.
Molecular consequence: missense variant. On other transcripts: non-coding transcript variant (2).
Genome position (GRCh38, 1-based): chr10:68,143,056, C>G. VCF-style: chr10-68143056-C-G. GRCh37 (hg19) VCF-style: chr10-69902813-C-G.
Other names: c.1019C>G (NM_032578.2); c.1019C>G, p.Ser340Cys (NM_001256267.2); c.137C>G, p.Ser46Cys (NM_001256268.2); short protein forms S340C, S46C.
Identifiers: ClinVar variation 1359354 (VCV001359354.7), dbSNP rs777080663, ClinGen allele CA5522398.